The following is an entry in ClinVar:

ClinVar aggregate classification (germline): Uncertain significance (1 of 4 stars; one submission).

Conditions:
Ehlers-Danlos syndrome, type 4 (EDSVASC). Also called: Ehlers-Danlos Syndrome Type IV; Ehlers-Danlos syndrome vascular type; Ehlers Danlos syndrome, ecchymotic type; Ehlers Danlos syndrome, arterial type; Ehlers Danlos syndrome, Sack-Barabas type. Identifiers: Orphanet 286, MedGen C0268338, MONDO:0017314, OMIM 130050.

gnomAD v4.1: 1 of 1,613,906 alleles (0.000062%); highest among the groups gnomAD compares: Admixed American, 0.0017%; no homozygotes.

Submission:

All of Us Research Program, National Institutes of Health
Classification: Uncertain significance for Ehlers-Danlos syndrome, type 4. Last evaluated: 2023-02-15. Review status: criteria provided, single submitter. Criteria: ACMG Guidelines, 2015. Collection method: clinical testing. Allele origin: germline. Inheritance: Autosomal dominant inheritance. Observed: 1 variant allele, 1 heterozygote.
Comment: This missense variant replaces alanine with serine at codon 589 of the COL3A1 protein. Computational prediction suggests that this variant may not impact protein structure and function (internally defined REVEL score threshold <= 0.5, PMID: 27666373). To our knowledge, functional studies have not been reported for this variant. This variant has not been reported in individuals affected with cardiovascular disorders in the literature. This variant has been identified in 1/251316 chromosomes in the general population by the Genome Aggregation Database (gnomAD). The available evidence is insufficient to determine the role of this variant in disease conclusively. Therefore, this variant is classified as a Variant of Uncertain Significance.

This study involves interpretation of variants in research participants for the purpose of population health screening. Participant phenotype was not available at the time of variant classification. Additional details can be found in publication PMID: 35346344, PMCID: PMC8962531

NM_000090.4(COL3A1):c.1765G>T (p.Ala589Ser)

Gene: COL3A1 (collagen type III alpha 1 chain; plus strand). Cytogenetic location: 2q32.2.
Variant type: single nucleotide variant.
Coding change: c.1765G>T on transcript NM_000090.4 (MANE Select); coding-DNA position 1765, G replaced by T.
Protein change: p.Ala589Ser; replaces alanine 589 with serine.
Molecular consequence: missense variant.
Genome position (GRCh38, 1-based): chr2:188,997,168, G>T. VCF-style: chr2-188997168-G-T. GRCh37 (hg19) VCF-style: chr2-189861894-G-T.
Other names: short protein forms A589S.
Identifiers: ClinVar variation 3069388 (VCV003069388.1), dbSNP rs1327158014, ClinGen allele CA349853191.